The following is an entry in ClinVar:

ClinVar aggregate classification (germline): Pathogenic (1 of 4 stars; one submission).

Conditions:
Glutathione synthetase deficiency with 5-oxoprolinuria. Also called: 5-OXOPROLINURIA DUE TO GLUTATHIONE SYNTHETASE DEFICIENCY; Reduced glutathione synthetase level; PYROGLUTAMIC ACIDURIA; 5-Oxoprolinuria; Gluthathione synthetase deficiency. Identifiers: Orphanet 289846, MedGen C0398746, MONDO:0009947, OMIM 266130, HP:0003343.

Submission:

Labcorp Genetics (formerly Invitae), Labcorp
Classification: Pathogenic for Glutathione synthetase deficiency with 5-oxoprolinuria. Last evaluated: 2023-02-26. Review status: criteria provided, single submitter. Criteria: Invitae Variant Classification Sherloc (09022015). Collection method: clinical testing. Allele origin: germline.
Comment: For these reasons, this variant has been classified as Pathogenic. This variant has not been reported in the literature in individuals affected with GSS-related conditions. This variant is not present in population databases (gnomAD no frequency). This sequence change creates a premature translational stop signal (p.Glu17*) in the GSS gene. It is expected to result in an absent or disrupted protein product. Loss-of-function variants in GSS are known to be pathogenic (PMID: 12638941, 15717202).

Literature cited by the submitters: PubMed 12638941; PubMed 15717202.

NM_000178.4(GSS):c.49G>T (p.Glu17Ter)

Gene: GSS (glutathione synthetase; minus strand). Cytogenetic location: 20q11.22.
Variant type: single nucleotide variant.
Coding change: c.49G>T on transcript NM_000178.4 (MANE Select); coding-DNA position 49, G replaced by T.
Protein change: p.Glu17Ter; replaces glutamic acid 17 with a stop codon.
Molecular consequence: nonsense.
Genome position (GRCh38, 1-based): chr20:34,951,804, C>A on the plus strand (G>T on the coding strand, the complement: GSS is on the minus strand). VCF-style: chr20-34951804-C-A. GRCh37 (hg19) VCF-style: chr20-33539607-C-A.
Other names: c.49G>T, p.Glu17Ter (NM_001322494.1, NM_001322495.1); short protein forms E17*.
Identifiers: ClinVar variation 2877418 (VCV002877418.3), dbSNP rs780432814, ClinGen allele CA408706676.